The following is an entry in ClinVar:

NM_001378454.1(ALMS1):c.6479A>G (p.His2160Arg)

Gene: ALMS1 (ALMS1 centrosome and basal body associated protein; plus strand). Cytogenetic location: 2p13.1.
Variant type: single nucleotide variant.
Coding change: c.6479A>G on transcript NM_001378454.1 (MANE Select); coding-DNA position 6479, A replaced by G.
Protein change: p.His2160Arg; replaces histidine 2160 with arginine.
Molecular consequence: missense variant.
Genome position (GRCh38, 1-based): chr2:73,453,006, A>G. VCF-style: chr2-73453006-A-G. GRCh37 (hg19) VCF-style: chr2-73680133-A-G.
Other names: c.6482A>G, p.His2161Arg (NM_015120.4); short protein forms H2160R, H2161R.
Identifiers: ClinVar variation 1425181 (VCV001425181.4), dbSNP rs781245006, ClinGen allele CA1714070.

ClinVar aggregate classification (germline): Uncertain significance (1 of 4 stars; one submission).

Conditions:
Alstrom syndrome (ALMS). Identifiers: Orphanet 64, MedGen C0268425, MONDO:0008763, OMIM 203800.

Allele frequency attached by ClinVar (database versions not stated): gnomAD exomes below 0.00001; ExAC 0.00001.
gnomAD v4.1: 2 of 1,613,078 alleles (0.00012%); highest among the groups gnomAD compares: Admixed American, 0.0017%; no homozygotes.

Submission:

Labcorp Genetics (formerly Invitae), Labcorp
Classification: Uncertain significance for Alstrom syndrome. Last evaluated: 2025-12-21. Review status: criteria provided, single submitter. Criteria: Invitae Variant Classification Sherloc (09022015). Collection method: clinical testing. Allele origin: germline.
Comment: This sequence change replaces histidine, which is basic and polar, with arginine, which is basic and polar, at codon 2161 of the ALMS1 protein (p.His2161Arg). This variant is present in population databases (rs781245006, gnomAD no frequency). This variant has not been reported in the literature in individuals affected with ALMS1-related conditions. ClinVar contains an entry for this variant (Variation ID: 1425181). Experimental studies and prediction algorithms are not available or were not evaluated, and the functional significance of this variant is currently unknown. In summary, the available evidence is currently insufficient to determine the role of this variant in disease. Therefore, it has been classified as a Variant of Uncertain Significance.